The following is an entry in ClinVar:

NM_001197104.2(KMT2A):c.2318C>G (p.Pro773Arg)

Gene: KMT2A (lysine methyltransferase 2A; plus strand). Cytogenetic location: 11q23.3.
Variant type: single nucleotide variant.
Coding change: c.2318C>G on transcript NM_001197104.2 (MANE Select); coding-DNA position 2318, C replaced by G.
Protein change: p.Pro773Arg; replaces proline 773 with arginine.
Molecular consequence: missense variant.
Genome position (GRCh38, 1-based): chr11:118,473,477, C>G. VCF-style: chr11-118473477-C-G. GRCh37 (hg19) VCF-style: chr11-118344192-C-G.
Other names: c.2318C>G, p.Pro773Arg (NM_005933.4); short protein forms P773R.
Identifiers: ClinVar variation 1348985 (VCV001348985.8), dbSNP rs1555036472, ClinGen allele CA382814442.
Genomic context (GRCh38, chr11:118,473,477, plus strand): 5'-ACTCCATGAGGACAAGAAGTGGAAGGCTTAGTAGTTCTGAGCTCTCACCTCTCACCCCCC[C>G]GTCTTCTGTCTCTTCCTCGTTAAGCATTTCTGTTAGTCCTCTTGCCACTAGTGCCTTAAA-3'
Protein context (NP_001184033.1, residues 763-783): SSSELSPLTP[Pro773Arg]SSVSSSLSIS

ClinVar aggregate classification (germline): Uncertain significance (1 of 4 stars; one submission).

Allele frequency attached by ClinVar (database versions not stated): gnomAD exomes below 0.00001.
gnomAD v4.1: 4 of 1,614,204 alleles (0.00025%); highest among the groups gnomAD compares: African/African-American, 0.0027%; no homozygotes.

Submission:

Labcorp Genetics (formerly Invitae), Labcorp
Classification: Uncertain significance. Last evaluated: 2022-02-05. Review status: criteria provided, single submitter. Criteria: Invitae Variant Classification Sherloc (09022015). Collection method: clinical testing. Allele origin: germline.
Comment: This sequence change replaces proline, which is neutral and non-polar, with arginine, which is basic and polar, at codon 773 of the KMT2A protein (p.Pro773Arg). This variant is present in population databases (no rsID available, gnomAD 0.0009%). This variant has not been reported in the literature in individuals affected with KMT2A-related conditions. Advanced modeling of protein sequence and biophysical properties (such as structural, functional, and spatial information, amino acid conservation, physicochemical variation, residue mobility, and thermodynamic stability) performed at Invitae indicates that this missense variant is not expected to disrupt KMT2A protein function. In summary, the available evidence is currently insufficient to determine the role of this variant in disease. Therefore, it has been classified as a Variant of Uncertain Significance.